The following is an entry in ClinVar:

ClinVar aggregate classification (germline): Conflicting classifications of pathogenicity. Review status: criteria provided, conflicting classifications (1 of 4 stars). 5 submissions from 5 submitters: Uncertain significance (3); Benign (1); Likely benign (1). Last evaluated 2026-06-12.

Conditions:
PDGFRA-related disorder. Also called: PDGFRA-related condition.
Polyps, multiple and recurrent inflammatory fibroid, gastrointestinal. Identifiers: MedGen C5193005, MONDO:0008285, OMIM 175510.
Hereditary cancer-predisposing syndrome. Also called: Tumor predisposition; Hereditary neoplastic syndrome; Neoplastic Syndromes, Hereditary; Hereditary Cancer Syndrome. Identifiers: Orphanet 140162, MedGen C0027672, MeSH D009386, MONDO:0015356.
Gastrointestinal stromal tumor. Also called: Gastrointestinal stromal tumor, somatic; Gastrointestinal stroma tumor. Identifiers: Orphanet 44890, MedGen C0238198, MeSH D046152, MONDO:0011719, OMIM 606764, HP:0100723.

Allele frequency attached by ClinVar (database versions not stated): ExAC 0.00003; gnomAD exomes 0.00003 and 0.00005; TOPMed 0.00004; gnomAD 0.00007.
gnomAD v4.1: 88 of 1,614,062 alleles (0.0055%); highest among the groups gnomAD compares: Middle Eastern, 0.033%; no homozygotes.

Submissions (5):

Myriad Genetics, Inc.
Classification: Likely benign for Polyps, multiple and recurrent inflammatory fibroid, gastrointestinal. Last evaluated: 2026-06-12. Review status: criteria provided, single submitter. Criteria: Myriad Autosomal Dominant, Autosomal Recessive and X-Linked Classification Criteria (2023). Collection method: clinical testing. Allele origin: unknown.
Comment: This variant is considered likely benign. This variant has been observed at a population frequency that is significantly greater than expected given the associated disease prevalence and penetrance.

PreventionGenetics, part of Exact Sciences
Classification: Uncertain significance for PDGFRA-related condition. Last evaluated: 2026-03-02. Review status: criteria provided, single submitter. Criteria: ACMG Guidelines, 2015. Collection method: clinical testing. Allele origin: germline.
Comment: The PDGFRA c.820A>T variant is predicted to result in the amino acid substitution p.Thr274Ser. To our knowledge, this variant has not been reported in the literature. This variant is reported in 0.0062% of alleles in individuals of European (Non-Finnish) descent in gnomAD. At this time, the clinical significance of this variant is uncertain due to the absence of conclusive functional and genetic evidence.

Labcorp Genetics (formerly Invitae), Labcorp
Classification: Uncertain significance for Gastrointestinal stromal tumor. Last evaluated: 2026-01-26. Review status: criteria provided, single submitter. Criteria: Invitae Variant Classification Sherloc (09022015). Collection method: clinical testing. Allele origin: germline.
Comment: This sequence change replaces threonine, which is neutral and polar, with serine, which is neutral and polar, at codon 274 of the PDGFRA protein (p.Thr274Ser). This variant is present in population databases (rs747956260, gnomAD 0.007%). This variant has not been reported in the literature in individuals affected with PDGFRA-related conditions. ClinVar contains an entry for this variant (Variation ID: 459124). Invitae Evidence Modeling of protein sequence and biophysical properties (such as structural, functional, and spatial information, amino acid conservation, physicochemical variation, residue mobility, and thermodynamic stability) indicates that this missense variant is not expected to disrupt PDGFRA protein function with a negative predictive value of 80%. In summary, the available evidence is currently insufficient to determine the role of this variant in disease. Therefore, it has been classified as a Variant of Uncertain Significance.

Ambry Genetics
Classification: Benign for Hereditary cancer-predisposing syndrome. Last evaluated: 2024-08-20. Review status: criteria provided, single submitter. Criteria: Ambry Variant Classification Scheme 2023. Collection method: clinical testing. Allele origin: germline.

Baylor Genetics
Classification: Uncertain significance for Polyps, multiple and recurrent inflammatory fibroid, gastrointestinal. Last evaluated: 2024-02-28. Review status: criteria provided, single submitter. Criteria: ACMG Guidelines, 2015. Collection method: clinical testing. Allele origin: unknown.

NM_006206.6(PDGFRA):c.820A>T (p.Thr274Ser)

Gene: PDGFRA (platelet derived growth factor receptor alpha; plus strand). Cytogenetic location: 4q12.
Variant type: single nucleotide variant.
Coding change: c.820A>T on transcript NM_006206.6 (MANE Select); coding-DNA position 820, A replaced by T.
Protein change: p.Thr274Ser; replaces threonine 274 with serine.
Molecular consequence: missense variant.
Genome position (GRCh38, 1-based): chr4:54,267,349, A>T. VCF-style: chr4-54267349-A-T. GRCh37 (hg19) VCF-style: chr4-55133516-A-T.
Other names: c.820A>T, p.Thr274Ser (NM_001347827.2, NM_001347829.2); c.895A>T, p.Thr299Ser (NM_001347828.2); c.859A>T, p.Thr287Ser (NM_001347830.2); c.820A>T (NM_006206.5); short protein forms T274S, T299S, T287S.
Identifiers: ClinVar variation 459124 (VCV000459124.23), dbSNP rs747956260, ClinGen allele CA2922398.